The following is an entry in ClinVar:

NM_198904.4(GABRG2):c.644G>T (p.Arg215Leu)

Gene: GABRG2 (gamma-aminobutyric acid type A receptor subunit gamma2; plus strand). Cytogenetic location: 5q34.
Variant type: single nucleotide variant.
Coding change: c.644G>T on transcript NM_198904.4 (MANE Select); coding-DNA position 644, G replaced by T.
Protein change: p.Arg215Leu; replaces arginine 215 with leucine.
Molecular consequence: missense variant.
Genome position (GRCh38, 1-based): chr5:162,103,901, G>T. VCF-style: chr5-162103901-G-T. GRCh37 (hg19) VCF-style: chr5-161530907-G-T.
Other names: c.644G>T, p.Arg215Leu (NM_000816.3, NM_001375340.1, NM_001375341.1 and 2 more transcripts); c.635G>T, p.Arg212Leu (NM_001375339.1); c.764G>T, p.Arg255Leu (NM_001375343.1, NM_198903.2); c.578G>T, p.Arg193Leu (NM_001375345.1, NM_001375346.1); c.557G>T, p.Arg186Leu (NM_001375347.1); c.224G>T, p.Arg75Leu (NM_001375348.1, NM_001375350.1); c.359G>T, p.Arg120Leu (NM_001375349.1); short protein forms R215L, R255L, R120L, R186L, R193L, R212L, R75L.
Identifiers: ClinVar variation 665121 (VCV000665121.12), dbSNP rs1561645172, ClinGen allele CA362184988.

ClinVar aggregate classification (germline): Uncertain significance. Review status: criteria provided, multiple submitters, no conflicts (2 of 4 stars). 2 submissions from 2 submitters: Uncertain significance (2). Last evaluated 2019-10-21.

Conditions:
EPILEPSY, CHILDHOOD ABSENCE, SUSCEPTIBILITY TO, 2 (ECA2). Identifiers: Orphanet 64280, MedGen C1843244, OMIM 607681.
Febrile seizures, familial, 8 (FEB8). Also called: CONVULSIONS, FAMILIAL FEBRILE, 8. Identifiers: Orphanet 36387, MedGen C1969810, MONDO:0011891, OMIM 607681.

gnomAD v4.1: 1 of 1,613,902 alleles (0.000062%); highest among the groups gnomAD compares: Non-Finnish European, 0.000085%; no homozygotes.

Submissions (2):

Labcorp Genetics (formerly Invitae), Labcorp
Classification: Uncertain significance for Febrile seizures, familial, 8; EPILEPSY, CHILDHOOD ABSENCE, SUSCEPTIBILITY TO, 2. Last evaluated: 2019-10-21. Review status: criteria provided, single submitter. Criteria: Invitae Variant Classification Sherloc (09022015). Collection method: clinical testing. Allele origin: germline.
Comment: In summary, the available evidence is currently insufficient to determine the role of this variant in disease. Therefore, it has been classified as a Variant of Uncertain Significance. Algorithms developed to predict the effect of missense changes on protein structure and function (SIFT, PolyPhen-2, Align-GVGD) all suggest that this variant is likely to be tolerated, but these predictions have not been confirmed by published functional studies and their clinical significance is uncertain. This variant has not been reported in the literature in individuals with GABRG2-related conditions. This variant is not present in population databases (ExAC no frequency). This sequence change replaces arginine with leucine at codon 215 of the GABRG2 protein (p.Arg215Leu). The arginine residue is moderately conserved and there is a moderate physicochemical difference between arginine and leucine.

GeneDx
Classification: Uncertain significance. Last evaluated: 2019-05-07. Review status: criteria provided, single submitter. Criteria: GeneDx Variant Classification Process June 2021. Collection method: clinical testing. Allele origin: germline. Affected: yes.
Comment: Not observed in large population cohorts (Lek et al., 2016); In silico analysis, which includes protein predictors and evolutionary conservation, supports a deleterious effect; Has not been previously published as pathogenic or benign to our knowledge